The following is an entry in ClinVar:

NM_000540.3(RYR1):c.4731C>T (p.Ala1577=)

Gene: RYR1 (ryanodine receptor 1; plus strand). Cytogenetic location: 19q13.2.
Variant type: single nucleotide variant.
Coding change: c.4731C>T on transcript NM_000540.3 (MANE Select); coding-DNA position 4731, C replaced by T.
Protein change: p.Ala1577=; no amino-acid change (alanine 1577 retained).
Molecular consequence: synonymous variant.
Genome position (GRCh38, 1-based): chr19:38,483,313, C>T. VCF-style: chr19-38483313-C-T. GRCh37 (hg19) VCF-style: chr19-38973953-C-T.
Other names: c.4731C>T, p.Ala1577= (NM_001042723.2).
Identifiers: ClinVar variation 3071526 (VCV003071526.1), dbSNP rs2514213157, ClinGen allele CA507353114.
Genomic context (GRCh38, chr19:38,483,313, plus strand): 5'-TGGCCATCTTGACCCATGTGTGTCTCTCTGCCCTCAGAACATCATGCCGTTGTCAGCCGC[C>T]ATGTTCCAAAGCGAGCGCAAGAACCCGGCCCCGCAGTGCCCACCGCGGCTGGAGATGCAG-3'
Protein context (NP_000531.2, residues 1567-1587): KQKNIMPLSA[Ala1577=]MFQSERKNPA

ClinVar aggregate classification (germline): Uncertain significance (1 of 4 stars; one submission).

Conditions:
Malignant hyperthermia, susceptibility to, 1 (MHS1). Also called: Anesthesia related hyperthermia; Malignant hyperpyrexia; Fulminating hyperpyrexia; Pharmacogenic myopathy; RYR1-Related Malignant Hyperthermia Susceptibility; Malignant hyperthermia suceptibility 1. Identifiers: Orphanet 423, MedGen C2930980, MONDO:0007783, OMIM 145600.

Submission:

All of Us Research Program, National Institutes of Health
Classification: Uncertain significance for Malignant hyperthermia, susceptibility to, 1. Last evaluated: 2023-06-08. Review status: criteria provided, single submitter. Criteria: ACMG Guidelines, 2015. Collection method: clinical testing. Allele origin: germline. Inheritance: Autosomal dominant inheritance. Observed: 1 variant allele, 1 heterozygote.
Comment: This variant is located in the RYR1 protein. To our knowledge, functional studies have not been reported for this variant. This variant has not been reported in individuals affected with RYR1-related disorders in the literature. This variant has not been identified in the general population by the Genome Aggregation Database (gnomAD). The available evidence is insufficient to determine the role of this variant in disease conclusively. Therefore, this variant is classified as a Variant of Uncertain Significance.

This study involves interpretation of variants in research participants for the purpose of population health screening. Participant phenotype was not available at the time of variant classification. Additional details can be found in publication PMID: 35346344, PMCID: PMC8962531